The following is an entry in ClinVar:

ClinVar aggregate classification (germline): Uncertain significance (1 of 4 stars; one submission).

Allele frequency attached by ClinVar (database versions not stated): gnomAD exomes below 0.00001.
gnomAD v4.1: 2 of 1,613,954 alleles (0.00012%); highest among the groups gnomAD compares: East Asian, 0.0022%; no homozygotes.

Submission:

Labcorp Genetics (formerly Invitae), Labcorp
Classification: Uncertain significance. Last evaluated: 2024-03-04. Review status: criteria provided, single submitter. Criteria: Invitae Variant Classification Sherloc (09022015). Collection method: clinical testing. Allele origin: germline.
Comment: This sequence change replaces aspartic acid, which is acidic and polar, with histidine, which is basic and polar, at codon 2012 of the CACNA1D protein (p.Asp2012His). This variant is present in population databases (no rsID available, gnomAD 0.006%). This variant has not been reported in the literature in individuals affected with CACNA1D-related conditions. An algorithm developed to predict the effect of missense changes on protein structure and function (PolyPhen-2) suggests that this variant is likely to be disruptive. In summary, the available evidence is currently insufficient to determine the role of this variant in disease. Therefore, it has been classified as a Variant of Uncertain Significance.

NM_001128840.3(CACNA1D):c.5974G>C (p.Asp1992His)

Gene: CACNA1D (calcium voltage-gated channel subunit alpha1 D; plus strand). Cytogenetic location: 3p21.1.
Variant type: single nucleotide variant.
Coding change: c.5974G>C on transcript NM_001128840.3 (MANE Select); coding-DNA position 5974, G replaced by C.
Protein change: p.Asp1992His; replaces aspartic acid 1992 with histidine.
Molecular consequence: missense variant.
Genome position (GRCh38, 1-based): chr3:53,810,080, G>C. VCF-style: chr3-53810080-G-C. GRCh37 (hg19) VCF-style: chr3-53844107-G-C.
Other names: c.6034G>C, p.Asp2012His (NM_000720.4); c.5902G>C, p.Asp1968His (NM_001128839.3); short protein forms D1968H, D2012H, D1992H.
Identifiers: ClinVar variation 2807038 (VCV002807038.3), dbSNP rs892661402, ClinGen allele CA353258200.